The following is an entry in ClinVar:

ClinVar aggregate classification (germline): Pathogenic (1 of 4 stars; one submission).

Conditions:
Breast-ovarian cancer, familial, susceptibility to, 1 (BROVCA1). Also called: BRCA1 Hereditary Breast and Ovarian Cancer; OVARIAN CANCER, SUSCEPTIBILITY TO. Identifiers: Orphanet 145, MedGen C2676676, MONDO:0011450, OMIM 604370. Disease mechanism: loss of function.

Submission:

Dr. med. U. Finckh, Human Genetics, Eurofins MVZ
Classification: Pathogenic for Breast-ovarian cancer, familial, susceptibility to, 1. Last evaluated: 2020-03-25. Review status: criteria provided, single submitter. Criteria: ACMG Guidelines, 2015. Collection method: clinical testing. Allele origin: unknown. Affected: yes. Observed: 1 heterozygote.
Comment: The 1bp deletion creates a frameshift leading to a premature stop signal in codon 1267 without prior amino acid change and is expected to result in a non-functional gene product. Another variant resulting in the same consequence on protein level is known to be pathogenic (ClinVar ID: 531441, reviewed by expert panel). The variant is not present in gnomAD. Taken together, we classify it as pathogenic.

NM_007294.4(BRCA1):c.3798del (p.Ser1266_Leu1267insTer)

Genes: BRCA1 (BRCA1 DNA repair associated; minus strand), LOC126862571 (BRD4-independent group 4 enhancer GRCh37_chr17:41243136-41244335; plus strand). Cytogenetic location: 17q21.31.
Variant type: Deletion.
Coding change: c.3798del on transcript NM_007294.4 (MANE Select); coding-DNA position 3798, one base deleted (C; older notation c.3798delC).
Protein change: p.Ser1266_Leu1267insTer.
Molecular consequence: frameshift variant. On other transcripts: intron variant (135).
Genome position (GRCh38, 1-based): chr17:43,091,733, G deleted on the plus strand (C on the coding strand, the reverse complement: BRCA1 is on the minus strand). VCF-style (leftmost placement, unchanged base first): chr17-43091732-AG-A. GRCh37 (hg19) VCF-style: chr17-41243749-AG-A.
Other names: c.521-701del (NM_001408504.1, NM_001408503.1, NM_001408505.1); c.644-701del (NM_001408463.1, NM_001408462.1, NM_001408470.1 and 3 more transcripts); c.524-701del (NM_001408499.1, NM_001408501.1, NM_001408500.1 and 3 more transcripts); c.671-701del (NM_001408422.1, NM_001408418.1, NM_001408423.1 and 2 more transcripts); c.707-701del (NM_001408416.1, NM_001408413.1); c.578-701del (NM_001408484.1, NM_001408478.1, NM_001408514.1 and 9 more transcripts); c.662-701del (NM_001408450.1, NM_001408434.1, NM_001408447.1 and 6 more transcripts); c.785-701del (NM_001408398.1, NM_001407992.1, NM_001408400.1 and 13 more transcripts); and 41 more.
Identifiers: ClinVar variation 2580983 (VCV002580983.2), dbSNP rs2552136662, ClinGen allele CA2580618145.